The following is an entry in ClinVar:

NM_001278716.2(FBXL4):c.971A>G (p.Asn324Ser)

Gene: FBXL4 (F-box and leucine rich repeat protein 4; minus strand). Cytogenetic location: 6q16.2.
Variant type: single nucleotide variant.
Coding change: c.971A>G on transcript NM_001278716.2 (MANE Select); coding-DNA position 971, A replaced by G.
Protein change: p.Asn324Ser; replaces asparagine 324 with serine.
Molecular consequence: missense variant. On other transcripts: non-coding transcript variant (2).
Genome position (GRCh38, 1-based): chr6:98,905,558, T>C on the plus strand (A>G on the coding strand, the complement: FBXL4 is on the minus strand). VCF-style: chr6-98905558-T-C. GRCh37 (hg19) VCF-style: chr6-99353434-T-C.
Other names: c.971A>G, p.Asn324Ser (NM_012160.5); short protein forms N324S.
Identifiers: ClinVar variation 437668 (VCV000437668.4), dbSNP rs115763595, ClinGen allele CA3933571.

ClinVar aggregate classification (germline): Uncertain significance. Review status: criteria provided, multiple submitters, no conflicts (2 of 4 stars). 2 submissions from 2 submitters: Uncertain significance (2). Last evaluated 2022-07-24.

Conditions:
Mitochondrial DNA depletion syndrome 13. Also called: FBXL4-Related Encephalomyopathic Mitochondrial DNA Depletion Syndrome; Mitochondrial DNA depletion syndrome 13 (encephalomyopathic type). Identifiers: Orphanet 369897, MedGen C3809592, MONDO:0014198, OMIM 615471.

Allele frequency attached by ClinVar (database versions not stated): TOPMed below 0.00001; ExAC 0.00001; gnomAD 0.00001; gnomAD exomes 0.00001.
gnomAD v4.1: 13 of 1,613,878 alleles (0.00081%); highest among the groups gnomAD compares: East Asian, 0.0045%; no homozygotes.

Submissions (2):

Labcorp Genetics (formerly Invitae), Labcorp
Classification: Uncertain significance. Last evaluated: 2022-07-24. Review status: criteria provided, single submitter. Criteria: Invitae Variant Classification Sherloc (09022015). Collection method: clinical testing. Allele origin: germline.
Comment: This sequence change replaces asparagine, which is neutral and polar, with serine, which is neutral and polar, at codon 324 of the FBXL4 protein (p.Asn324Ser). This variant is present in population databases (rs115763595, gnomAD 0.002%). In summary, the available evidence is currently insufficient to determine the role of this variant in disease. Therefore, it has been classified as a Variant of Uncertain Significance. Advanced modeling of protein sequence and biophysical properties (such as structural, functional, and spatial information, amino acid conservation, physicochemical variation, residue mobility, and thermodynamic stability) performed at Invitae indicates that this missense variant is not expected to disrupt FBXL4 protein function. ClinVar contains an entry for this variant (Variation ID: 437668). This variant has not been reported in the literature in individuals affected with FBXL4-related conditions.

Wong Mito Lab, Molecular and Human Genetics, Baylor College of Medicine
Classification: Uncertain significance for Mitochondrial DNA depletion syndrome 13. Last evaluated: 2017-08-10. Review status: criteria provided, single submitter. Criteria: ACMG Guidelines, 2015. Collection method: reference population. Allele origin: germline.
Comment: The NM_012160.4:c.971A>G (NP_036292.2:p.Asn324Ser) [GRCH38: NC_000006.12:g.98905558T>C] variant in FBXL4 gene is interpretated to be a Uncertain Significance - Insufficient Evidence based on ACMG guidelines (PMID: 25741868). This variant meets one or more of the following evidence codes reported in the ACMG-guideline. PM2:This variant is absent in key population databases. Based on this evidence code ClinGen Pathogenicity Calculator (PMID:28081714) suggested that the variant is Uncertain Significance - Insufficient Evidence.